The following is an entry in ClinVar:

NM_000085.5(CLCNKB):c.761C>T (p.Ala254Val)

Genes: CLCNKB (chloride voltage-gated channel Kb; plus strand), LOC106501713 (CLCNKB recombination region; plus strand). Cytogenetic location: 1p36.13.
Variant type: single nucleotide variant.
Coding change: c.761C>T on transcript NM_000085.5 (MANE Select); coding-DNA position 761, C replaced by T.
Protein change: p.Ala254Val; replaces alanine 254 with valine.
Molecular consequence: missense variant.
Genome position (GRCh38, 1-based): chr1:16,049,225, C>T. VCF-style: chr1-16049225-C-T. GRCh37 (hg19) VCF-style: chr1-16375720-C-T.
Other names: c.254C>T, p.Ala85Val (NM_001165945.2); short protein forms A254V, A85V.
Identifiers: ClinVar variation 2910098 (VCV002910098.3), dbSNP rs762613611, ClinGen allele CA623493.

ClinVar aggregate classification (germline): Likely pathogenic (1 of 4 stars; one submission).

Allele frequency attached by ClinVar (database versions not stated): gnomAD 0.00003; ExAC 0.00007; TOPMed 0.00001.
gnomAD v4.1: 51 of 1,613,732 alleles (0.0032%); highest among the groups gnomAD compares: South Asian, 0.044%; 1 homozygote.

Submission:

Labcorp Genetics (formerly Invitae), Labcorp
Classification: Likely pathogenic. Last evaluated: 2025-03-18. Review status: criteria provided, single submitter. Criteria: Invitae Variant Classification Sherloc (09022015). Collection method: clinical testing. Allele origin: germline.
Comment: This sequence change replaces alanine, which is neutral and non-polar, with valine, which is neutral and non-polar, at codon 254 of the CLCNKB protein (p.Ala254Val). This variant is present in population databases (rs762613611, gnomAD 0.04%). This missense change has been observed in individual(s) with Gitelman syndrome (PMID: 28381550). In at least one individual the data is consistent with being in trans (on the opposite chromosome) from a pathogenic variant. ClinVar contains an entry for this variant (Variation ID: 2910098). Invitae Evidence Modeling of protein sequence and biophysical properties (such as structural, functional, and spatial information, amino acid conservation, physicochemical variation, residue mobility, and thermodynamic stability) indicates that this missense variant is not expected to disrupt CLCNKB protein function with a negative predictive value of 80%. Experimental studies have shown that this missense change affects CLCNKB function (PMID: 31803959). In summary, the currently available evidence indicates that the variant is pathogenic, but additional data are needed to prove that conclusively. Therefore, this variant has been classified as Likely Pathogenic.

Literature cited by the submitters: PubMed 28381550; PubMed 31803959.